The following is an entry in ClinVar:

NM_004530.6(MMP2):c.20G>A (p.Arg7Gln)

Gene: MMP2 (matrix metallopeptidase 2; plus strand). Cytogenetic location: 16q12.2.
Variant type: single nucleotide variant.
Coding change: c.20G>A on transcript NM_004530.6 (MANE Select); coding-DNA position 20, G replaced by A.
Protein change: p.Arg7Gln; replaces arginine 7 with glutamine.
Molecular consequence: missense variant. On other transcripts: intron variant (1).
Genome position (GRCh38, 1-based): chr16:55,479,499, G>A. VCF-style: chr16-55479499-G-A. GRCh37 (hg19) VCF-style: chr16-55513411-G-A.
Other names: c.-76+534G>A (NM_001302508.1); short protein forms R7Q.
Identifiers: ClinVar variation 1411122 (VCV001411122.6), dbSNP rs746268212, ClinGen allele CA8059961.

ClinVar aggregate classification (germline): Uncertain significance (1 of 4 stars; one submission).

Allele frequency attached by ClinVar (database versions not stated): gnomAD 0.00001; gnomAD exomes 0.00002; TOPMed 0.00004; ExAC 0.00007.

Submission:

Labcorp Genetics (formerly Invitae), Labcorp
Classification: Uncertain significance. Last evaluated: 2023-10-03. Review status: criteria provided, single submitter. Criteria: Invitae Variant Classification Sherloc (09022015). Collection method: clinical testing. Allele origin: germline.
Comment: This sequence change replaces arginine, which is basic and polar, with glutamine, which is neutral and polar, at codon 7 of the MMP2 protein (p.Arg7Gln). This variant is present in population databases (rs746268212, gnomAD 0.01%). This variant has not been reported in the literature in individuals affected with MMP2-related conditions. ClinVar contains an entry for this variant (Variation ID: 1411122). Algorithms developed to predict the effect of missense changes on protein structure and function output the following: SIFT: "Not Available"; PolyPhen-2: "Benign"; Align-GVGD: "Not Available". The glutamine amino acid residue is found in multiple mammalian species, which suggests that this missense change does not adversely affect protein function. In summary, the available evidence is currently insufficient to determine the role of this variant in disease. Therefore, it has been classified as a Variant of Uncertain Significance.